The following is an entry in ClinVar:

NM_001042413.2(GLIS3):c.793G>T (p.Val265Phe)

Gene: GLIS3 (GLIS family zinc finger 3; minus strand). Cytogenetic location: 9p24.2.
Variant type: single nucleotide variant.
Coding change: c.793G>T on transcript NM_001042413.2 (MANE Select); coding-DNA position 793, G replaced by T.
Protein change: p.Val265Phe; replaces valine 265 with phenylalanine.
Molecular consequence: missense variant.
Genome position (GRCh38, 1-based): chr9:4,118,685, C>A on the plus strand (G>T on the coding strand, the complement: GLIS3 is on the minus strand). VCF-style: chr9-4118685-C-A. GRCh37 (hg19) VCF-style: chr9-4118685-C-A.
Other names: c.328G>T, p.Val110Phe (NM_152629.4); c.793G>T (NM_001042413.1); short protein forms V265F, V110F.
Identifiers: ClinVar variation 717911 (VCV000717911.14), dbSNP rs143192828, ClinGen allele CA4968409.

ClinVar aggregate classification (germline): Conflicting classifications of pathogenicity. Review status: criteria provided, conflicting classifications (1 of 4 stars). 5 submissions from 5 submitters: Uncertain significance (3); Likely benign (2). Last evaluated 2026-05-10.

Conditions:
Monogenic diabetes. Identifiers: Orphanet 183625, MedGen C3888631, MONDO:0015967.
GLIS3-related disorder. Also called: GLIS3-related condition.
Neonatal diabetes mellitus with congenital hypothyroidism. Also called: NDH SYNDROME. Identifiers: Orphanet 79118, MedGen C1857775, MONDO:0012436, OMIM 610199.

Allele frequency attached by ClinVar (database versions not stated): gnomAD exomes 0.00007 and 0.00021; ExAC 0.00026; gnomAD 0.00083 and 0.00087; TOPMed 0.00091; ESP Exome Variant Server 0.00115; 1000 Genomes Project 0.00200; 1000 Genomes Project 30x 0.00219.
gnomAD v4.1: 234 of 1,614,062 alleles (0.014%); highest among the groups gnomAD compares: African/African-American, 0.28%; no homozygotes.

Submissions (5):

PreventionGenetics, part of Exact Sciences
Classification: Likely benign for GLIS3-related condition. Last evaluated: 2026-05-10. Review status: criteria provided, single submitter. Criteria: ACMG Guidelines, 2015. Collection method: clinical testing. Allele origin: germline.
Comment: This variant is classified as likely benign based on ACMG/AMP sequence variant interpretation guidelines (Richards et al. 2015 PMID: 25741868, with internal and published modifications).

Labcorp Genetics (formerly Invitae), Labcorp
Classification: Likely benign. Last evaluated: 2025-07-25. Review status: criteria provided, single submitter. Criteria: Invitae Variant Classification Sherloc (09022015). Collection method: clinical testing. Allele origin: germline.

Genetic Services Laboratory, University of Chicago
Classification: Uncertain significance. Last evaluated: 2024-04-30. Review status: criteria provided, single submitter. Criteria: ACMG Guidelines, 2015. Collection method: clinical testing. Allele origin: germline. Affected: no.
Comment: DNA sequence analysis of the GLIS3 gene demonstrated a sequence change, c.793G>T (NM_001042413.1), in exon 4 that results in an amino acid change, p.Val265Phe. This sequence change has been described in the gnomAD database with a frequency of 0.28% in the African/African American subpopulation (dbSNP rs143192828). The p.Val265Phe change affects a moderately conserved amino acid residue located in a domain of the GLIS3 protein that is not known to be functional. In-silico pathogenicity prediction tools (SIFT, PolyPhen2, Align GVGD, REVEL) provide contradictory results for the p.Val265Phe substitution. This sequence change does not appear to have been previously described in individuals with GLIS3-related disorders. Due to insufficient evidence and the lack of functional studies, the clinical significance of the p.Val265Phe change remains unknown at this time.

Personalized Diabetes Medicine Program, University of Maryland School of Medicine
Classification: Uncertain significance for Monogenic diabetes. Last evaluated: 2017-11-10. Review status: criteria provided, single submitter. Criteria: ACMG Guidelines, 2015. Collection method: research. Allele origin: unknown. Observed: 1 variant allele, 1 heterozygote.
Comment: ACMG criteria: PP3 (4 predictors), BP4 (6 predictors)=VUS

Clinical Genomics, Uppaluri K&H Personalized Medicine Clinic
Classification: Uncertain significance for Neonatal diabetes mellitus with congenital hypothyroidism. Review status: criteria provided, single submitter. Criteria: K & H Uppaluri Personalized Medicine Clinic Variant Classification & Assertion Criteria_Updated V.1. Collection method: research. Allele origin: unknown.
Comment: Potent mutations in GLIS3 predisposes to neonatal diabetes mellitus with an extra pancreatic manifestation of hypothyroidism. It also predisposes to early onset diabetes in adults.However no sufficient evidence is found to ascertain the role of this particular variant rs143192828, yet.

Literature cited by the submitters: PubMed 32693112 (cited by Clinical Genomics, Uppaluri K&H Personalized Medicine Clinic); PubMed 27899417 (cited by Clinical Genomics, Uppaluri K&H Personalized Medicine Clinic); PubMed 29992946 (cited by Clinical Genomics, Uppaluri K&H Personalized Medicine Clinic); PubMed 35394098 (cited by Clinical Genomics, Uppaluri K&H Personalized Medicine Clinic); PubMed 29146476 (cited by Clinical Genomics, Uppaluri K&H Personalized Medicine Clinic).